The following is an entry in ClinVar:

ClinVar aggregate classification (germline): Uncertain significance (1 of 4 stars; one submission).

Conditions:
PLA2G6-associated neurodegeneration (PLAN). Also called: phospholipase A2-associated neurodegeneration. Identifiers: Orphanet 329303, MedGen CN204472, MONDO:0017998.

Allele frequency attached by ClinVar (database versions not stated): ExAC 0.00001.
gnomAD v4.1: 4 of 1,613,882 alleles (0.00025%); highest among the groups gnomAD compares: East Asian, 0.0067%; no homozygotes.

Submission:

Broad Center for Mendelian Genomics, Broad Institute of MIT and Harvard
Classification: Uncertain significance for PLA2G6-associated neurodegeneration. Last evaluated: 2023-01-24. Review status: criteria provided, single submitter. Criteria: ACMG Guidelines, 2015. Collection method: curation. Allele origin: germline. Inheritance: Autosomal recessive inheritance.
Comment: The p.Pro93His variant in PLA2G6 has been reported in 1 individual, in the compound heterozygous state, with PLA2G6-associated neurodegeneration (PMID: 33835755, 31104286), and has been identified in 0.02% (3/18368) of East Asian chromosomes by the Genome Aggregation Database (gnomAD; dbSNP ID: rs775075021). Although this variant has been seen in the general population in a heterozygous state, its frequency is not high enough to rule out a pathogenic role. Computational prediction tools and conservation analyses do not provide strong support for or against an impact to the protein. In summary, the clinical significance of the p.Pro93His variant is uncertain. ACMG/AMP Criteria applied: PM3 (Richards 2015).

NM_003560.4(PLA2G6):c.278C>A (p.Pro93His)

Gene: PLA2G6 (phospholipase A2 group VI; minus strand). Cytogenetic location: 22q13.1.
Variant type: single nucleotide variant.
Coding change: c.278C>A on transcript NM_003560.4 (MANE Select); coding-DNA position 278, C replaced by A.
Protein change: p.Pro93His; replaces proline 93 with histidine.
Molecular consequence: missense variant. On other transcripts: 5 prime UTR variant (3).
Genome position (GRCh38, 1-based): chr22:38,145,585, G>T on the plus strand (C>A on the coding strand, the complement: PLA2G6 is on the minus strand). VCF-style: chr22-38145585-G-T. GRCh37 (hg19) VCF-style: chr22-38541592-G-T.
Other names: NM_001004426.3:c.278C>A; c.278C>A, p.Pro93His (NM_001004426.3, NM_001199562.3, NM_001349864.2 and 2 more transcripts); c.-257C>A (NM_001349867.2, NM_001349869.2); c.-213C>A (NM_001349868.2); short protein forms P93H.
Identifiers: ClinVar variation 2412653 (VCV002412653.1), dbSNP rs775075021, ClinGen allele CA10231300.
Genomic context (GRCh38, chr22:38,145,585, plus strand): 5'-AGGTCGGTCAGGTGCTGCAGGACCTCAGTGTGCAGGACCTGAGGGGAGCTCTCATAGAAG[G>T]GTAGCAGCTGGGAAGAATACTGATGGAAATTCACTAGGGCGTCAGCCTCCAACTCCAGCT-3'
Protein context (NP_003551.2, residues 83-103): NFHQYSSQLL[Pro93His]FYESSPQVLH